The following is an entry in ClinVar:

ClinVar aggregate classification (germline): Uncertain significance. Review status: criteria provided, multiple submitters, no conflicts (2 of 4 stars). 5 submissions from 5 submitters: Uncertain significance (4). 1 of the submissions does not count toward it. Last evaluated 2025-08-19.

Conditions:
Inborn genetic diseases. Identifiers: MedGen C0950123, MeSH D030342.
Combined oxidative phosphorylation defect type 21. Also called: Combined oxidative phosphorylation deficiency 21. Identifiers: Orphanet 420733, MedGen C4706316, MONDO:0014398, OMIM 615918.

Allele frequency attached by ClinVar (database versions not stated): ExAC 0.00005; gnomAD 0.00007 and 0.00008; gnomAD exomes 0.00008 and 0.00015; TOPMed 0.00011; ESP Exome Variant Server 0.00015.
gnomAD v4.1: 236 of 1,614,112 alleles (0.015%); highest among the groups gnomAD compares: Non-Finnish European, 0.018%; no homozygotes.

Submissions (5):

Ambry Genetics
Classification: Uncertain significance for Inborn genetic diseases. Last evaluated: 2025-08-19. Review status: criteria provided, single submitter. Criteria: Ambry Variant Classification Scheme 2023. Collection method: clinical testing. Allele origin: germline.

Labcorp Genetics (formerly Invitae), Labcorp
Classification: Uncertain significance. Last evaluated: 2022-10-17. Review status: criteria provided, single submitter. Criteria: Invitae Variant Classification Sherloc (09022015). Collection method: clinical testing. Allele origin: germline.
Comment: This sequence change replaces alanine, which is neutral and non-polar, with threonine, which is neutral and polar, at codon 17 of the TARS2 protein (p.Ala17Thr). This variant is present in population databases (rs367864616, gnomAD 0.01%). This variant has not been reported in the literature in individuals affected with TARS2-related conditions. ClinVar contains an entry for this variant (Variation ID: 559355). Algorithms developed to predict the effect of missense changes on protein structure and function output the following: SIFT: "Tolerated"; PolyPhen-2: "Benign"; Align-GVGD: "Class C0". The threonine amino acid residue is found in multiple mammalian species, which suggests that this missense change does not adversely affect protein function. In summary, the available evidence is currently insufficient to determine the role of this variant in disease. Therefore, it has been classified as a Variant of Uncertain Significance.

GeneDx
Classification: Uncertain significance. Last evaluated: 2022-02-09. Review status: criteria provided, single submitter. Criteria: GeneDx Variant Classification Process June 2021. Collection method: clinical testing. Allele origin: germline. Affected: yes.
Comment: Not observed at significant frequency in large population cohorts (gnomAD); In silico analysis supports that this missense variant does not alter protein structure/function; Has not been previously published as pathogenic or benign to our knowledge

Victorian Clinical Genetics Services, Murdoch Childrens Research Institute
Classification: Uncertain significance for Combined oxidative phosphorylation defect type 21. Last evaluated: 2020-05-21. Review status: criteria provided, single submitter. Criteria: ACMG Guidelines, 2015. Collection method: clinical testing. Allele origin: germline. Inheritance: Autosomal recessive inheritance.
Comment: A heterozygous missense variant was identified, NM_025150.4(TARS2):c.49G>A in exon 1 of 18 of the TARS2 gene. This substitution is predicted to create a minor amino acid change from an alanine to a threonine at position 17 of the protein; NP_079426.2(TARS2):p.(Ala17Thr). The alanine at this position has low conservation (100 vertebrates, UCSC), and is not situated in a known functional domain (NCBI, PDB, UniProt). In silico software predicts this variant to be tolerated (Polyphen, SIFT, CADD, Mutation Taster). The variant is present in the gnomAD population database at a global population frequency of 0.008% (22 heterozygotes, 0 homozygotes) with a European sub-population frequency of 0.01%. This variant has been previously reported in ClinVar as a VUS. Based on information available at the time of curation, this variant has been classified as a VUS with LOW CLINICAL RELEVANCE.

Mayo Clinic Laboratories, Mayo Clinic
Classification: Uncertain significance. Last evaluated: 2017-12-29. Review status: no assertion criteria provided. Collection method: clinical testing. Allele origin: unknown. Not counted in ClinVar's aggregate classification.

NM_025150.5(TARS2):c.49G>A (p.Ala17Thr)

Gene: TARS2 (threonyl-tRNA synthetase 2, mitochondrial; plus strand). Cytogenetic location: 1q21.2.
Variant type: single nucleotide variant.
Coding change: c.49G>A on transcript NM_025150.5 (MANE Select); coding-DNA position 49, G replaced by A.
Protein change: p.Ala17Thr; replaces alanine 17 with threonine.
Molecular consequence: missense variant. On other transcripts: non-coding transcript variant (2).
Genome position (GRCh38, 1-based): chr1:150,487,499, G>A. VCF-style: chr1-150487499-G-A. GRCh37 (hg19) VCF-style: chr1-150459975-G-A.
Other names: c.49G>A, p.Ala17Thr (NM_001271895.2, NM_001271896.2); c.49G>A (NM_025150.3); short protein forms A17T.
Identifiers: ClinVar variation 559355 (VCV000559355.13), dbSNP rs367864616, ClinGen allele CA1076564.